The following is an entry in ClinVar:

ClinVar aggregate classification (germline): Uncertain significance (1 of 4 stars; one submission).

Conditions:
MAGT1-related disorder. Also called: MAGT1-related condition.

gnomAD v4.1: 1 of 1,208,172 alleles (0.000083%); highest among the groups gnomAD compares: Non-Finnish European, 0.00011%; no homozygotes.

Submission:

PreventionGenetics, part of Exact Sciences
Classification: Uncertain significance for MAGT1-related condition. Last evaluated: 2026-02-26. Review status: criteria provided, single submitter. Criteria: ACMG Guidelines, 2015. Collection method: clinical testing. Allele origin: germline.
Comment: The MAGT1 c.653A>G variant is predicted to result in the amino acid substitution p.Tyr218Cys. To our knowledge, this variant has not been reported in the literature or in a large population database (gnomAD), indicating this variant is rare. At this time, the clinical significance of this variant is uncertain due to the absence of conclusive functional and genetic evidence.

NM_001367916.1(MAGT1):c.557A>G (p.Tyr186Cys)

Gene: MAGT1 (magnesium transporter 1; minus strand). Cytogenetic location: Xq21.1.
Variant type: single nucleotide variant.
Coding change: c.557A>G on transcript NM_001367916.1 (MANE Select); coding-DNA position 557, A replaced by G.
Protein change: p.Tyr186Cys; replaces tyrosine 186 with cysteine.
Molecular consequence: missense variant.
Genome position (GRCh38, 1-based): chrX:77,856,848, T>C on the plus strand (A>G on the coding strand, the complement: MAGT1 is on the minus strand). VCF-style: chrX-77856848-T-C. GRCh37 (hg19) VCF-style: chrX-77112345-T-C.
Other names: c.653A>G, p.Tyr218Cys (NM_032121.5); short protein forms Y186C, Y218C.
Identifiers: ClinVar variation 4995395 (VCV004995395.1).